The following is an entry in ClinVar:

NM_015512.5(DNAH1):c.3655C>T (p.Arg1219Cys)

Gene: DNAH1 (dynein axonemal heavy chain 1; plus strand). Cytogenetic location: 3p21.1.
Variant type: single nucleotide variant.
Coding change: c.3655C>T on transcript NM_015512.5 (MANE Select); coding-DNA position 3655, C replaced by T.
Protein change: p.Arg1219Cys; replaces arginine 1219 with cysteine.
Molecular consequence: missense variant.
Genome position (GRCh38, 1-based): chr3:52,355,017, C>T. VCF-style: chr3-52355017-C-T. GRCh37 (hg19) VCF-style: chr3-52389033-C-T.
Other names: short protein forms R1219C.
Identifiers: ClinVar variation 3083390 (VCV003083390.4), dbSNP rs376325553, ClinGen allele CA2433639.
Genomic context (GRCh38, chr3:52,355,017, plus strand): 5'-GACCACATCGTCATGACCCAGAATATGTCATTTTCACCCTACAAGAAGCCCTTTGAGCAG[C>T]GCATCAACTCCTGGGAGAACAAACTGAAGCTGACCCAGGTCGGCCCTCCCCCCAGTCCTT-3'
Protein context (NP_056327.4, residues 1209-1229): FSPYKKPFEQ[Arg1219Cys]INSWENKLKL

ClinVar aggregate classification (germline): Uncertain significance. Review status: criteria provided, multiple submitters, no conflicts (2 of 4 stars). 4 submissions from 4 submitters: Uncertain significance (4). Last evaluated 2024-03-18.

Conditions:
Spermatogenic failure 18. Identifiers: MedGen C4539783, MONDO:0054615, OMIM 617576.
Ciliary dyskinesia, primary, 37 (CILD37). Also called: CILIARY DYSKINESIA, PRIMARY, 37, WITH OR WITHOUT SITUS INVERSUS. Identifiers: MedGen C4539798, MONDO:0033204, OMIM 617577.

Allele frequency attached by ClinVar (database versions not stated): ExAC 0.00004; gnomAD 0.00018; TOPMed 0.00022; ESP Exome Variant Server 0.00024.
gnomAD v4.1: 58 of 1,613,792 alleles (0.0036%); highest among the groups gnomAD compares: African/African-American, 0.063%; no homozygotes.

Submissions (4):

Labcorp Genetics (formerly Invitae), Labcorp
Classification: Uncertain significance for Ciliary dyskinesia, primary, 37; Spermatogenic failure 18. Last evaluated: 2024-03-18. Review status: criteria provided, single submitter. Criteria: Invitae Variant Classification Sherloc (09022015). Collection method: clinical testing. Allele origin: germline.
Comment: This sequence change replaces arginine, which is basic and polar, with cysteine, which is neutral and slightly polar, at codon 1219 of the DNAH1 protein (p.Arg1219Cys). This variant is present in population databases (rs376325553, gnomAD 0.07%). This variant has not been reported in the literature in individuals affected with DNAH1-related conditions. Advanced modeling of protein sequence and biophysical properties (such as structural, functional, and spatial information, amino acid conservation, physicochemical variation, residue mobility, and thermodynamic stability) performed at Invitae indicates that this missense variant is expected to disrupt DNAH1 protein function with a positive predictive value of 80%. In summary, the available evidence is currently insufficient to determine the role of this variant in disease. Therefore, it has been classified as a Variant of Uncertain Significance.

GeneDx
Classification: Uncertain significance. Last evaluated: 2024-01-31. Review status: criteria provided, single submitter. Criteria: GeneDx Variant Classification Process June 2021. Collection method: clinical testing. Allele origin: germline. Affected: yes.
Comment: In silico analysis supports that this missense variant has a deleterious effect on protein structure/function; Has not been previously published as pathogenic or benign to our knowledge

Ambry Genetics
Classification: Uncertain significance. Last evaluated: 2023-10-05. Review status: criteria provided, single submitter. Criteria: Ambry Variant Classification Scheme 2023. Collection method: clinical testing. Allele origin: germline.

Blueprint Genetics
Classification: Uncertain significance. Last evaluated: 2022-07-22. Review status: criteria provided, single submitter. Criteria: ACMG Guidelines, 2015. Collection method: clinical testing. Allele origin: germline.